The following is an entry in ClinVar:

ClinVar aggregate classification (germline): Uncertain significance (1 of 4 stars; one submission).

Submission:

GeneDx
Classification: Uncertain significance. Last evaluated: 2024-05-22. Review status: criteria provided, single submitter. Criteria: GeneDx Variant Classification Process June 2021. Collection method: clinical testing. Allele origin: germline. Affected: yes.
Comment: Has not been previously published as pathogenic or benign to our knowledge; Not observed at significant frequency in large population cohorts (gnomAD); In silico analysis indicates that this missense variant does not alter protein structure/function

NM_004208.4(AIFM1):c.1619A>C (p.Glu540Ala)

Genes: AIFM1 (apoptosis inducing factor mitochondria associated 1; minus strand), RAB33A (RAB33A, member RAS oncogene family; plus strand). Cytogenetic location: Xq26.1.
Variant type: single nucleotide variant.
Coding change: c.1619A>C on transcript NM_004208.4 (MANE Select); coding-DNA position 1619, A replaced by C.
Protein change: p.Glu540Ala; replaces glutamic acid 540 with alanine.
Molecular consequence: missense variant. On other transcripts: 3 prime UTR variant (1), non-coding transcript variant (1).
Genome position (GRCh38, 1-based): chrX:130,130,121, T>G on the plus strand (A>C on the coding strand, the complement: AIFM1 is on the minus strand). VCF-style: chrX-130130121-T-G. GRCh37 (hg19) VCF-style: chrX-129264096-T-G.
Other names: c.602A>C, p.Glu201Ala (NM_001130846.4); c.*847A>C (NM_001130847.4); c.1607A>C, p.Glu536Ala (NM_145812.3); short protein forms E201A, E536A, E540A.
Identifiers: ClinVar variation 3381712 (VCV003381712.1).